The following is an entry in ClinVar:

ClinVar aggregate classification (germline): Uncertain significance (1 of 4 stars; one submission).

Submission:

Labcorp Genetics (formerly Invitae), Labcorp
Classification: Uncertain significance. Last evaluated: 2025-05-05. Review status: criteria provided, single submitter. Criteria: Invitae Variant Classification Sherloc (09022015). Collection method: clinical testing. Allele origin: germline.
Comment: This sequence change creates a premature translational stop signal (p.Asn1326Cysfs*10) in the CEP152 gene. While this is not anticipated to result in nonsense mediated decay, it is expected to disrupt the last 329 amino acid(s) of the CEP152 protein. This variant is present in population databases (rs768313937, gnomAD 0.02%). This variant has not been reported in the literature in individuals affected with CEP152-related conditions. ClinVar contains an entry for this variant (Variation ID: 2181603). Experimental studies and prediction algorithms are not available or were not evaluated, and the functional significance of this variant is currently unknown. In summary, the available evidence is currently insufficient to determine the role of this variant in disease. Therefore, it has been classified as a Variant of Uncertain Significance.

NM_001194998.2(CEP152):c.4144_4148del (p.Asn1382fs)

Gene: CEP152 (centrosomal protein 152; minus strand). Cytogenetic location: 15q21.1.
Variant type: Deletion.
Coding change: c.4144_4148del on transcript NM_001194998.2 (MANE Select); coding-DNA positions 4144 to 4148, 5 bases deleted (AATGA; older notation c.4144_4148delAATGA).
Protein change: p.Asn1382fs; shifts the reading frame from asparagine 1382.
Molecular consequence: frameshift variant.
Genome position (GRCh38, 1-based): chr15:48,739,234-48,739,238, TCATT deleted on the plus strand (AATGA on the coding strand, the reverse complement: CEP152 is on the minus strand); deleting any 5 consecutive bases within chr15:48,739,234-48,739,240 gives the same sequence; the c. name uses the placement nearest the transcript's 3' end. VCF-style (leftmost placement, unchanged base first): chr15-48739233-ATCATT-A. GRCh37 (hg19) VCF-style: chr15-49031430-ATCATT-A.
Other names: c.3976_3980del, p.Asn1326fs (NM_014985.4); short protein forms N1382fs, N1326fs.
Identifiers: ClinVar variation 2181603 (VCV002181603.2), dbSNP rs768313937, ClinGen allele CA7548148.
Genomic context (GRCh38, chr15:48,739,233, plus strand): 5'-GGTGATGGTGTTTACACTATTTGATTTGCTTTCAATACAACATGGTATTTTCTGATTCAC[ATCATT>A]TCTTTTTGATTTTTTAACTGCAATCAGCATCTCTGAAGTTAGGGGCAGTGCTATTATGTG-3'